The following is an entry in ClinVar:

ClinVar aggregate classification (germline): Likely pathogenic (1 of 4 stars; one submission).

Conditions:
Primary ciliary dyskinesia. Also called: Ciliary dyskinesia. Identifiers: Orphanet 244, MedGen C0008780, MONDO:0016575, HP:0012265.

gnomAD v4.1: 1 of 1,519,756 alleles (0.000066%); highest among the groups gnomAD compares: Admixed American, 0.002%; no homozygotes.

Submission:

Labcorp Genetics (formerly Invitae), Labcorp
Classification: Likely pathogenic for Primary ciliary dyskinesia. Last evaluated: 2024-03-04. Review status: criteria provided, single submitter. Criteria: Invitae Variant Classification Sherloc (09022015). Collection method: clinical testing. Allele origin: germline.
Comment: This sequence change affects a donor splice site in intron 1 of the MCIDAS gene. It is expected to disrupt RNA splicing. Variants that disrupt the donor or acceptor splice site typically lead to a loss of protein function (PMID: 16199547), and loss-of-function variants in MCIDAS are known to be pathogenic (PMID: 25048963). The frequency data for this variant in the population databases is considered unreliable, as metrics indicate poor data quality at this position in the gnomAD database. This variant has not been reported in the literature in individuals affected with MCIDAS-related conditions. Algorithms developed to predict the effect of sequence changes on RNA splicing suggest that this variant may disrupt the consensus splice site. In summary, the currently available evidence indicates that the variant is pathogenic, but additional data are needed to prove that conclusively. Therefore, this variant has been classified as Likely Pathogenic.

Literature cited by the submitters: PubMed 16199547; PubMed 25048963.

NM_001190787.3(MCIDAS):c.120+2T>C

Gene: MCIDAS (multiciliate differentiation and DNA synthesis associated cell cycle protein; minus strand). Cytogenetic location: 5q11.2.
Variant type: single nucleotide variant.
Coding change: c.120+2T>C on transcript NM_001190787.3 (MANE Select); the canonical splice donor site of the intron after coding-DNA position 120, T replaced by C.
Molecular consequence: splice donor variant.
Genome position (GRCh38, 1-based): chr5:55,227,017, A>G on the plus strand (T>C on the coding strand, the complement: MCIDAS is on the minus strand). VCF-style: chr5-55227017-A-G. GRCh37 (hg19) VCF-style: chr5-54522845-A-G.
Identifiers: ClinVar variation 3716891 (VCV003716891.2).